The following is an entry in ClinVar:

ClinVar aggregate classification (germline): Uncertain significance. Review status: criteria provided, multiple submitters, no conflicts (2 of 4 stars). 4 submissions from 4 submitters: Uncertain significance (4). Last evaluated 2026-08-01.

Conditions:
Inborn genetic diseases. Identifiers: MedGen C0950123, MeSH D030342.

Allele frequency attached by ClinVar (database versions not stated): TOPMed below 0.00001; gnomAD exomes 0.00001.
gnomAD v4.1: 16 of 1,613,828 alleles (0.00099%); highest among the groups gnomAD compares: Non-Finnish European, 0.0014%; no homozygotes.

Submissions (4):

CeGaT Center for Human Genetics Tuebingen
Classification: Uncertain significance. Last evaluated: 2026-08-01. Review status: criteria provided, single submitter. Criteria: CeGaT Center For Human Genetics Tuebingen Variant Classification Criteria Version 2. Collection method: clinical testing. Allele origin: germline. Affected: yes. Observed: 1 variant allele.
Comment: ENPP1: PM2

Ambry Genetics
Classification: Uncertain significance for Inborn genetic diseases. Last evaluated: 2025-06-18. Review status: criteria provided, single submitter. Criteria: Ambry Variant Classification Scheme 2023. Collection method: clinical testing. Allele origin: germline.

Labcorp Genetics (formerly Invitae), Labcorp
Classification: Uncertain significance. Last evaluated: 2024-06-17. Review status: criteria provided, single submitter. Criteria: Invitae Variant Classification Sherloc (09022015). Collection method: clinical testing. Allele origin: germline.
Comment: This sequence change replaces isoleucine, which is neutral and non-polar, with threonine, which is neutral and polar, at codon 567 of the ENPP1 protein (p.Ile567Thr). This variant is not present in population databases (gnomAD no frequency). This variant has not been reported in the literature in individuals affected with ENPP1-related conditions. ClinVar contains an entry for this variant (Variation ID: 1965956). Advanced modeling of protein sequence and biophysical properties (such as structural, functional, and spatial information, amino acid conservation, physicochemical variation, residue mobility, and thermodynamic stability) has been performed at Invitae for this missense variant, however the output from this modeling did not meet the statistical confidence thresholds required to predict the impact of this variant on ENPP1 protein function. In summary, the available evidence is currently insufficient to determine the role of this variant in disease. Therefore, it has been classified as a Variant of Uncertain Significance.

Blueprint Genetics
Classification: Uncertain significance. Last evaluated: 2023-12-21. Review status: criteria provided, single submitter. Criteria: ACMG Guidelines, 2015. Collection method: clinical testing. Allele origin: germline.

NM_006208.3(ENPP1):c.1700T>C (p.Ile567Thr)

Gene: ENPP1 (ectonucleotide pyrophosphatase/phosphodiesterase 1; plus strand). Cytogenetic location: 6q23.2.
Variant type: single nucleotide variant.
Coding change: c.1700T>C on transcript NM_006208.3 (MANE Select); coding-DNA position 1700, T replaced by C.
Protein change: p.Ile567Thr; replaces isoleucine 567 with threonine.
Molecular consequence: missense variant.
Genome position (GRCh38, 1-based): chr6:131,875,840, T>C. VCF-style: chr6-131875840-T-C. GRCh37 (hg19) VCF-style: chr6-132196980-T-C.
Other names: c.1700T>C (NM_006208.2); short protein forms I567T.
Identifiers: ClinVar variation 1965956 (VCV001965956.8), dbSNP rs1782225036, ClinGen allele CA365678783.
Genomic context (GRCh38, chr6:131,875,840, plus strand): 5'-TCTTTGTTGGCTATGGACCTGGATTCAAGCATGGCATTGAGGCTGACACCTTTGAAAACA[T>C]TGAAGTCTATAACTTAATGTGTGGTAAGTGTGAACAGGTGCCTTTTTTCCCTTCTGAAAA-3'
Protein context (NP_006199.2, residues 557-577): HGIEADTFEN[Ile567Thr]EVYNLMCDLL